The following is an entry in ClinVar:

NM_017680.6(ASPN):c.132T>C (p.Asp44=)

Genes: ASPN (asporin; minus strand), CENPP (centromere protein P; plus strand). Cytogenetic location: 9q22.31.
Variant type: single nucleotide variant.
Coding change: c.132T>C on transcript NM_017680.6 (MANE Select); coding-DNA position 132, T replaced by C.
Protein change: p.Asp44=; no amino-acid change (aspartic acid 44 retained).
Molecular consequence: synonymous variant. On other transcripts: intron variant (2).
Genome position (GRCh38, 1-based): chr9:92,474,766, A>G on the plus strand (T>C on the coding strand, the complement: ASPN is on the minus strand). VCF-style: chr9-92474766-A-G. GRCh37 (hg19) VCF-style: chr9-95237048-A-G.
Other names: c.132T>C, p.Asp44= (NM_001193335.3); c.228+94907A>G (NM_001286969.1); c.564+94907A>G (NM_001012267.3).
Identifiers: ClinVar variation 3040749 (VCV003040749.2), dbSNP rs150545989, ClinGen allele CA5124886.

ClinVar aggregate classification (germline): Likely benign (0 of 4 stars; one submission).

Conditions:
ASPN-related disorder. Also called: ASPN-related condition.

Allele frequency attached by ClinVar (database versions not stated): ExAC 0.00019; gnomAD exomes 0.00020; gnomAD 0.00026.
gnomAD v4.1: 334 of 1,612,810 alleles (0.021%); highest among the groups gnomAD compares: Middle Eastern, 0.033%; no homozygotes.

Submission:

PreventionGenetics, part of Exact Sciences
Classification: Likely benign for ASPN-related condition. Last evaluated: 2019-09-17. Review status: no assertion criteria provided. Collection method: clinical testing. Allele origin: germline.
Comment: This variant is classified as likely benign based on ACMG/AMP sequence variant interpretation guidelines (Richards et al. 2015 PMID: 25741868, with internal and published modifications).